The following is an entry in ClinVar:

NM_032638.5(GATA2):c.1179C>G (p.Ile393Met)

Gene: GATA2 (GATA binding protein 2; minus strand). Cytogenetic location: 3q21.3.
Variant type: single nucleotide variant.
Coding change: c.1179C>G on transcript NM_032638.5 (MANE Select); coding-DNA position 1179, C replaced by G.
Protein change: p.Ile393Met; replaces isoleucine 393 with methionine.
Molecular consequence: missense variant.
Genome position (GRCh38, 1-based): chr3:128,481,283, G>C on the plus strand (C>G on the coding strand, the complement: GATA2 is on the minus strand). VCF-style: chr3-128481283-G-C. GRCh37 (hg19) VCF-style: chr3-128200126-G-C.
Other names: c.1179C>G, p.Ile393Met (NM_001145661.2); c.1137C>G, p.Ile379Met (NM_001145662.1); short protein forms I393M, I379M.
Identifiers: ClinVar variation 472436 (VCV000472436.12), dbSNP rs1553770437, ClinGen allele CA354413265.
Genomic context (GRCh38, chr3:128,481,283, plus strand): 5'-GCACTCCGCCCCTTTCTTGCTCTTCTTGGACTTGTTGGACATCTTCCGGTTCCGAGTCTG[G>C]ATCCCTTCCTTCTTCATGGTCAGTGGCCTGTTAACCTAGAGGCAACCACCAGTTTTCAGA-3'
Protein context (NP_116027.2, residues 383-403): NRPLTMKKEG[Ile393Met]QTRNRKMSNK

ClinVar aggregate classification (germline): Uncertain significance. Review status: criteria provided, multiple submitters, no conflicts (2 of 4 stars). 2 submissions from 2 submitters: Uncertain significance (2). Last evaluated 2018-10-15.

Conditions:
Monocytopenia with susceptibility to infections. Also called: MONOCYTOPENIA AND MYCOBACTERIAL INFECTION SYNDROME; MONOCYTOPENIA WITH SUSCEPTIBILITY TO MYCOBACTERIAL, FUNGAL, AND PAPILLOMAVIRUS INFECTIONS AND MYELODYSPLASIA; COMBINED IMMUNODEFICIENCY WITH SUSCEPTIBILITY TO MYCOBACTERIAL, VIRAL, AND FUNGAL INFECTIONS; Dendritic cell, monocyte, B lymphocyte, and natural killer lymphocyte deficiency; IMMUNODEFICIENCY 21; GATA2 DEFICIENCY. Identifiers: Orphanet 228423, MedGen C3280030, MONDO:0013607, OMIM 614172.
Deafness-lymphedema-leukemia syndrome. Also called: Lymphedema, primary, with myelodysplasia; Emberger syndrome. Identifiers: Orphanet 3226, MedGen C3279664, MONDO:0013540, OMIM 614038.

Allele frequency attached by ClinVar (database versions not stated): gnomAD 0.00001.
gnomAD v4.1: 1 of 1,613,966 alleles (0.000062%); highest among the groups gnomAD compares: Non-Finnish European, 0.000085%; no homozygotes.

Submissions (2):

Genetic Services Laboratory, University of Chicago
Classification: Uncertain significance. Last evaluated: 2018-10-15. Review status: criteria provided, single submitter. Criteria: ACMG Guidelines, 2015. Collection method: clinical testing. Allele origin: germline. Affected: no.

Labcorp Genetics (formerly Invitae), Labcorp
Classification: Uncertain significance for Monocytopenia with susceptibility to infections; Deafness-lymphedema-leukemia syndrome. Last evaluated: 2017-04-02. Review status: criteria provided, single submitter. Criteria: Invitae Variant Classification Sherloc (09022015). Collection method: clinical testing. Allele origin: germline.
Comment: This sequence change replaces isoleucine with methionine at codon 393 of the GATA2 protein (p.Ile393Met). The isoleucine residue is highly conserved and there is a small physicochemical difference between isoleucine and methionine. This variant is not present in population databases (ExAC no frequency) and has not been reported in the literature in individuals with a GATA2-related disease. Algorithms developed to predict the effect of missense changes on protein structure and function do not agree on the potential impact of this missense change (SIFT: "Tolerated"; PolyPhen-2: "Probably Damaging"; Align-GVGD: "Class C0"). In summary, this variant is a novel missense change with uncertain impact on protein function. It has been classified as a Variant of Uncertain Significance.